The following is an entry in ClinVar:

ClinVar aggregate classification (germline): Uncertain significance. Review status: criteria provided, multiple submitters, no conflicts (2 of 4 stars). 2 submissions from 2 submitters: Uncertain significance (2). Last evaluated 2025-12-30.

Conditions:
Myofibrillar myopathy 5. Also called: Filaminopathy (type); FILAMINOPATHY, AUTOSOMAL DOMINANT. Identifiers: Orphanet 171445, MedGen C1836050, MONDO:0012289, OMIM 609524.
Distal myopathy with posterior leg and anterior hand involvement. Also called: WILLIAMS DISTAL MYOPATHY. Identifiers: Orphanet 63273, MedGen C3279722, MONDO:0013550, OMIM 614065.
Hypertrophic cardiomyopathy 26. Also called: Cardiomyopathy, familial hypertrophic, 26. Identifiers: Orphanet 75249, MedGen C4310749, MONDO:0014883, OMIM 617047.
Cardiovascular phenotype. Identifiers: MedGen CN230736.

Allele frequency attached by ClinVar (database versions not stated): gnomAD exomes below 0.00001; ExAC 0.00001.

Submissions (2):

Ambry Genetics
Classification: Uncertain significance for Cardiovascular phenotype. Last evaluated: 2025-12-30. Review status: criteria provided, single submitter. Criteria: Ambry Variant Classification Scheme 2023. Collection method: clinical testing. Allele origin: germline.
Comment: The p.S1120G variant (also known as c.3358A>G), located in coding exon 21 of the FLNC gene, results from an A to G substitution at nucleotide position 3358. The serine at codon 1120 is replaced by glycine, an amino acid with similar properties. This amino acid position is conserved. In addition, the in silico prediction for this alteration is inconclusive. Based on the available evidence, the clinical significance of this variant remains unclear.

Labcorp Genetics (formerly Invitae), Labcorp
Classification: Uncertain significance for Distal myopathy with posterior leg and anterior hand involvement; Myofibrillar myopathy 5; Hypertrophic cardiomyopathy 26. Last evaluated: 2025-11-02. Review status: criteria provided, single submitter. Criteria: Invitae Variant Classification Sherloc (09022015). Collection method: clinical testing. Allele origin: germline.
Comment: This sequence change replaces serine, which is neutral and polar, with glycine, which is neutral and non-polar, at codon 1120 of the FLNC protein (p.Ser1120Gly). This variant is present in population databases (rs749637616, gnomAD 0.0009%). This variant has not been reported in the literature in individuals affected with FLNC-related conditions. ClinVar contains an entry for this variant (Variation ID: 936078). Invitae Evidence Modeling of protein sequence and biophysical properties (such as structural, functional, and spatial information, amino acid conservation, physicochemical variation, residue mobility, and thermodynamic stability) has been performed for this missense variant. However, the output from this modeling did not meet the statistical confidence thresholds required to predict the impact of this variant on FLNC protein function. In summary, the available evidence is currently insufficient to determine the role of this variant in disease. Therefore, it has been classified as a Variant of Uncertain Significance.

NM_001458.5(FLNC):c.3358A>G (p.Ser1120Gly)

Gene: FLNC (filamin C; plus strand). Cytogenetic location: 7q32.1.
Variant type: single nucleotide variant.
Coding change: c.3358A>G on transcript NM_001458.5 (MANE Select); coding-DNA position 3358, A replaced by G.
Protein change: p.Ser1120Gly; replaces serine 1120 with glycine.
Molecular consequence: missense variant.
Genome position (GRCh38, 1-based): chr7:128,844,823, A>G. VCF-style: chr7-128844823-A-G. GRCh37 (hg19) VCF-style: chr7-128484877-A-G.
Other names: c.3358A>G, p.Ser1120Gly (NM_001127487.2); short protein forms S1120G.
Identifiers: ClinVar variation 936078 (VCV000936078.11), dbSNP rs749637616, ClinGen allele CA4475022.
Genomic context (GRCh38, chr7:128,844,823, plus strand): 5'-GAGGGCCCCTGCGAGGCCAAGATCGAGTGCCAGGACAATGGTGATGGCTCATGTGCTGTC[A>G]GCTACCTGCCCACGGAGCCTGGCGAGTACACCATCAACATCCTGTTTGCTGAGGCCCACA-3'
Protein context (NP_001449.3, residues 1110-1130): QDNGDGSCAV[Ser1120Gly]YLPTEPGEYT